The following is an entry in ClinVar:

NM_003119.4(SPG7):c.2115_2131del (p.Leu706fs)

Gene: SPG7 (SPG7 matrix AAA peptidase subunit, paraplegin; plus strand). Cytogenetic location: 16q24.3.
Variant type: Deletion.
Coding change: c.2115_2131del on transcript NM_003119.4 (MANE Select); coding-DNA positions 2115 to 2131, 17 bases deleted (GCTGGTGGCCAAGGCCT).
Protein change: p.Leu706fs; shifts the reading frame from leucine 706.
Molecular consequence: frameshift variant.
Genome position (GRCh38, 1-based): chr16:89,554,497-89,554,513, GCTGGTGGCCAAGGCCT deleted; deleting any 17 consecutive bases within chr16:89,554,495-89,554,513 gives the same sequence; the c. name uses the placement nearest the transcript's 3' end. VCF-style (leftmost placement, unchanged base first): chr16-89554494-ACTGCTGGTGGCCAAGGC-A. GRCh37 (hg19) VCF-style: chr16-89620902-ACTGCTGGTGGCCAAGGC-A.
Other names: c.2115_2131del, p.Leu706fs (NM_001363850.1); c.2113_2129del (NM_003119.4); c.2115_2131del (NM_003119.2); short protein forms L706fs.
Identifiers: ClinVar variation 465175 (VCV000465175.56), dbSNP rs748255454, ClinGen allele CA8244549.

ClinVar aggregate classification (germline): Pathogenic. Review status: criteria provided, multiple submitters, no conflicts (2 of 4 stars). 8 submissions from 8 submitters: Pathogenic (8). Last evaluated 2023-11-27.

Conditions:
SPG7-related disorder. Also called: SPG7-related condition.
Hereditary spastic paraplegia 7 (SPG7). Also called: SPASTIC PARAPLEGIA 7, AUTOSOMAL RECESSIVE, WITH OR WITHOUT CEREBELLAR ATAXIA; Autosomal recessive spastic paraplegia type 7; SPG7-related neurologic disorder; Spastic paraplegia 7; Hereditary spastic paraplegia Paraplegin type. Identifiers: Orphanet 99013, MedGen C1846564, MONDO:0011803, OMIM 607259.

Submissions (8):

Labcorp Genetics (formerly Invitae), Labcorp
Classification: Pathogenic for Hereditary spastic paraplegia 7. Last evaluated: 2023-11-27. Review status: criteria provided, single submitter. Criteria: Invitae Variant Classification Sherloc (09022015). Collection method: clinical testing. Allele origin: germline.
Comment: This sequence change creates a premature translational stop signal (p.Leu706Glnfs*30) in the SPG7 gene. While this is not anticipated to result in nonsense mediated decay, it is expected to disrupt the last 90 amino acid(s) of the SPG7 protein. This variant is present in population databases (rs748255454, gnomAD 0.0009%). This premature translational stop signal has been observed in individuals with spastic paraplegia (PMID: 22964162). ClinVar contains an entry for this variant (Variation ID: 465175). For these reasons, this variant has been classified as Pathogenic.

GeneDx
Classification: Pathogenic. Last evaluated: 2023-11-03. Review status: criteria provided, single submitter. Criteria: GeneDx Variant Classification Process June 2021. Collection method: clinical testing. Allele origin: germline. Affected: yes.
Comment: Frameshift variant predicted to result in abnormal protein length as the last 90 amino acids are replaced with 29 different amino acids, and other similar variants have been reported in HGMD; Not observed at significant frequency in large population cohorts (gnomAD); This variant is associated with the following publications: (PMID: 22571692, 22964162, 30588391)

CeGaT Center for Human Genetics Tuebingen
Classification: Pathogenic. Last evaluated: 2022-03-01. Review status: criteria provided, single submitter. Criteria: CeGaT Center For Human Genetics Tuebingen Variant Classification Criteria Version 2. Collection method: clinical testing. Allele origin: germline. Affected: yes. Observed: 3 variant alleles.
Comment: SPG7: PVS1, PM2

Blueprint Genetics
Classification: Pathogenic for SPG7-related disorders. Last evaluated: 2022-01-19. Review status: criteria provided, single submitter. Criteria: ACMG Guidelines, 2015. Collection method: clinical testing. Allele origin: germline. Affected: yes. Observed: 2 variant alleles.

PROSPAX: an integrated multimodal progression  chart in spastic ataxias, Center for Neurology; Hertie-Institute for Clinical Brain Research
Classification: Pathogenic for Hereditary spastic paraplegia 7. Last evaluated: 2022-01-01. Review status: criteria provided, single submitter. Criteria: ACMG Guidelines, 2015. Collection method: research. Allele origin: germline. Affected: yes. Observed: 9 variant alleles, 9 compound heterozygotes.

MGZ Medical Genetics Center
Classification: Pathogenic for Hereditary spastic paraplegia 7. Last evaluated: 2021-11-10. Review status: criteria provided, single submitter. Criteria: ACMG Guidelines, 2015. Collection method: clinical testing. Allele origin: germline. Affected: yes. Observed: 2 variant alleles.
Comment: ACMG criteria applied: PVS1_STR, PM3_STR, PS4_MOD, PM2_SUP

Clinical Genetics DNA and cytogenetics Diagnostics Lab, Erasmus MC, Erasmus Medical Center
Classification: Pathogenic for Hereditary spastic paraplegia 7. Last evaluated: 2016-03-17. Review status: criteria provided, single submitter. Criteria: ACGS Guidelines, 2013. Collection method: clinical testing. Allele origin: germline. Affected: yes. Study: VKGL Data-share Consensus.

Paris Brain Institute, Inserm - ICM
Classification: Pathogenic for Hereditary spastic paraplegia 7. Review status: criteria provided, single submitter. Criteria: ACMG Guidelines, 2015. Collection method: clinical testing. Allele origin: unknown. Affected: yes. Observed: 1 variant allele.

Literature cited by the submitters: PubMed 22964162 (cited by Labcorp Genetics (formerly Invitae), Labcorp).